The following is an entry in ClinVar:

NM_001378120.1(MBD5):c.2519-9del

Gene: MBD5 (methyl-CpG binding domain protein 5; plus strand). Cytogenetic location: 2q23.1.
Variant type: Deletion.
Coding change: c.2519-9del on transcript NM_001378120.1 (MANE Select); 9 bases into the intron before coding-DNA position 2519, one base deleted (T; older notation c.2519-9delT).
Molecular consequence: intron variant.
Genome position (GRCh38, 1-based): chr2:148,483,101, T deleted; the last of 13 consecutive T bases (chr2:148,483,089-148,483,101); deleting any one gives the same sequence. VCF-style (leftmost placement, unchanged base first): chr2-148483088-GT-G. GRCh37 (hg19) VCF-style: chr2-149240657-GT-G.
Other names: c.2519-9del (NM_018328.5).
Identifiers: ClinVar variation 1175174 (VCV001175174.16), dbSNP rs5835195, ClinGen allele CA1900170.

ClinVar aggregate classification (germline): Benign. Review status: criteria provided, multiple submitters, no conflicts (2 of 4 stars). 5 submissions from 5 submitters: Benign (3). 2 of the submissions do not count toward it. Last evaluated 2024-12-09.

Conditions:
Intellectual developmental disorder, autosomal dominant 1. Also called: MBD5 Haploinsufficiency; Intellectual disability, autosomal dominant 1. Identifiers: Orphanet 228402, MedGen C1969562, MONDO:0007974, OMIM 156200.

Submissions (5):

Labcorp Genetics (formerly Invitae), Labcorp
Classification: Benign for Intellectual developmental disorder, autosomal dominant 1. Last evaluated: 2024-12-09. Review status: criteria provided, single submitter. Criteria: Invitae Variant Classification Sherloc (09022015). Collection method: clinical testing. Allele origin: germline.

Unidad de Genómica Garrahan, Hospital de Pediatría Garrahan
Classification: Benign. Last evaluated: 2024-07-15. Review status: criteria provided, single submitter. Criteria: ACMG Guidelines, 2015. Collection method: clinical testing. Allele origin: germline. Affected: no. Observed: 92 variant alleles.
Comment: This variant is classified as Benign based on local population frequency. This variant was detected in 99% of patients studied in a panel designed for Epileptic and Developmental Encephalopathy and Progressive Myoclonus Epilepsy. Number of patients: 92. Only high quality variants are reported.

GeneDx
Classification: Benign. Last evaluated: 2019-08-11. Review status: criteria provided, single submitter. Criteria: GeneDx Variant Classification Process June 2021. Collection method: clinical testing. Allele origin: germline. Affected: yes.

Diagnostic Laboratory, Department of Genetics, University Medical Center Groningen
Classification: Benign. Review status: no assertion criteria provided. Collection method: clinical testing. Allele origin: germline. Affected: yes. Study: VKGL Data-share Consensus. Not counted in ClinVar's aggregate classification.

Genome Diagnostics Laboratory, University Medical Center Utrecht
Classification: Benign. Review status: no assertion criteria provided. Collection method: clinical testing. Allele origin: germline. Affected: yes. Study: VKGL Data-share Consensus. Not counted in ClinVar's aggregate classification.